The following is an entry in ClinVar:

NM_001283009.2(RTEL1):c.3256T>G (p.Tyr1086Asp)

Genes: RTEL1 (regulator of telomere elongation helicase 1; plus strand), RTEL1-TNFRSF6B (RTEL1-TNFRSF6B readthrough (NMD candidate); plus strand). Cytogenetic location: 20q13.33.
Variant type: single nucleotide variant.
Coding change: c.3256T>G on transcript NM_001283009.2 (MANE Select); coding-DNA position 3256, T replaced by G.
Protein change: p.Tyr1086Asp; replaces tyrosine 1086 with aspartic acid.
Molecular consequence: missense variant. On other transcripts: non-coding transcript variant (1).
Genome position (GRCh38, 1-based): chr20:63,694,887, T>G. VCF-style: chr20-63694887-T-G. GRCh37 (hg19) VCF-style: chr20-62326240-T-G.
Other names: c.2587T>G, p.Tyr863Asp (NM_001283010.1); c.3256T>G, p.Tyr1086Asp (NM_016434.4); c.3328T>G, p.Tyr1110Asp (NM_032957.5); short protein forms Y1110D, Y863D, Y1086D.
Identifiers: ClinVar variation 3948466 (VCV003948466.1).

ClinVar aggregate classification (germline): Uncertain significance (1 of 4 stars; one submission).

Conditions:
Inborn genetic diseases. Identifiers: MedGen C0950123, MeSH D030342.

gnomAD v4.1: 4 of 1,612,614 alleles (0.00025%); highest among the groups gnomAD compares: Non-Finnish European, 0.00034%; no homozygotes.

Submission:

Ambry Genetics
Classification: Uncertain significance for Inborn genetic diseases. Last evaluated: 2025-06-07. Review status: criteria provided, single submitter. Criteria: Ambry Variant Classification Scheme 2023. Collection method: clinical testing. Allele origin: germline.
Comment: The p.Y1086D variant (also known as c.3256T>G), located in coding exon 31 of the RTEL1 gene, results from a T to G substitution at nucleotide position 3256. The tyrosine at codon 1086 is replaced by aspartic acid, an amino acid with highly dissimilar properties. This amino acid position is conserved. In addition, this alteration is predicted to be deleterious by in silico analysis. Based on the available evidence, the clinical significance of this variant remains unclear.